The following is an entry in ClinVar:

NM_020937.4(FANCM):c.2807C>T (p.Ser936Leu)

Gene: FANCM (FA complementation group M; plus strand). Cytogenetic location: 14q21.2.
Variant type: single nucleotide variant.
Coding change: c.2807C>T on transcript NM_020937.4 (MANE Select); coding-DNA position 2807, C replaced by T.
Protein change: p.Ser936Leu; replaces serine 936 with leucine.
Molecular consequence: missense variant.
Genome position (GRCh38, 1-based): chr14:45,175,561, C>T. VCF-style: chr14-45175561-C-T. GRCh37 (hg19) VCF-style: chr14-45644764-C-T.
Other names: c.2729C>T, p.Ser910Leu (NM_001308133.2); short protein forms S936L, S910L.
Identifiers: ClinVar variation 844291 (VCV000844291.13), dbSNP rs1594798166, ClinGen allele CA389599223.

ClinVar aggregate classification (germline): Uncertain significance. Review status: criteria provided, multiple submitters, no conflicts (2 of 4 stars). 4 submissions from 4 submitters: Uncertain significance (4). Last evaluated 2025-12-31.

Conditions:
Inborn genetic diseases. Identifiers: MedGen C0950123, MeSH D030342.
Fanconi anemia (FA). Also called: Fanconi's anemia. Identifiers: Orphanet 84, MedGen C0015625, MeSH D005199, MONDO:0019391.
Spermatogenic failure 28. Identifiers: MedGen C4748117, MONDO:0054732, OMIM 618086.
Premature ovarian failure 15. Identifiers: MedGen C4748170, MONDO:0054862, OMIM 618096.

Allele frequency attached by ClinVar (database versions not stated): TOPMed below 0.00001; gnomAD 0.00001.
gnomAD v4.1: 7 of 1,613,116 alleles (0.00043%); highest among the groups gnomAD compares: East Asian, 0.0022%; no homozygotes.

Submissions (4):

Labcorp Genetics (formerly Invitae), Labcorp
Classification: Uncertain significance for Fanconi anemia. Last evaluated: 2025-12-31. Review status: criteria provided, single submitter. Criteria: Invitae Variant Classification Sherloc (09022015). Collection method: clinical testing. Allele origin: germline.
Comment: This sequence change replaces serine, which is neutral and polar, with leucine, which is neutral and non-polar, at codon 936 of the FANCM protein (p.Ser936Leu). This variant is not present in population databases (gnomAD no frequency). This variant has not been reported in the literature in individuals affected with FANCM-related conditions. ClinVar contains an entry for this variant (Variation ID: 844291). An algorithm developed to predict the effect of missense changes on protein structure and function outputs the following: PolyPhen-2: "Benign". The leucine amino acid residue is found in multiple mammalian species, which suggests that this missense change does not adversely affect protein function. In summary, the available evidence is currently insufficient to determine the role of this variant in disease. Therefore, it has been classified as a Variant of Uncertain Significance.

Ambry Genetics
Classification: Uncertain significance for Inborn genetic diseases. Last evaluated: 2024-11-22. Review status: criteria provided, single submitter. Criteria: Ambry Variant Classification Scheme 2023. Collection method: clinical testing. Allele origin: germline.
Comment: The p.S936L variant (also known as c.2807C>T), located in coding exon 14 of the FANCM gene, results from a C to T substitution at nucleotide position 2807. The serine at codon 936 is replaced by leucine, an amino acid with dissimilar properties. This amino acid position is conserved. In addition, this alteration is predicted to be tolerated by in silico analysis. Based on the available evidence, the clinical significance of this variant remains unclear.

GeneDx
Classification: Uncertain significance. Last evaluated: 2024-01-17. Review status: criteria provided, single submitter. Criteria: GeneDx Variant Classification Process June 2021. Collection method: clinical testing. Allele origin: germline. Affected: yes.
Comment: Not observed at significant frequency in large population cohorts (gnomAD); In silico analysis supports that this missense variant has a deleterious effect on protein structure/function; Has not been previously published as pathogenic or benign to our knowledge

Fulgent Genetics
Classification: Uncertain significance for Spermatogenic failure 28; Premature ovarian failure 15. Last evaluated: 2021-10-26. Review status: criteria provided, single submitter. Criteria: ACMG Guidelines, 2015. Collection method: clinical testing. Allele origin: unknown.